The following is an entry in ClinVar:

NM_000051.4(ATM):c.6349A>T (p.Lys2117Ter)

Genes: ATM (ATM serine/threonine kinase; plus strand), C11orf65 (chromosome 11 open reading frame 65; minus strand). Cytogenetic location: 11q22.3.
Variant type: single nucleotide variant.
Coding change: c.6349A>T on transcript NM_000051.4 (MANE Select); coding-DNA position 6349, A replaced by T.
Protein change: p.Lys2117Ter; replaces lysine 2117 with a stop codon.
Molecular consequence: nonsense. On other transcripts: intron variant (2).
Genome position (GRCh38, 1-based): chr11:108,319,955, A>T. VCF-style: chr11-108319955-A-T. GRCh37 (hg19) VCF-style: chr11-108190682-A-T.
Other names: c.6349A>T, p.Lys2117Ter (NM_001351834.2); c.641-10884T>A (NM_001330368.2); c.*39-10884T>A (NM_001351110.2); short protein forms K2117*.
Identifiers: ClinVar variation 4717603 (VCV004717603.1).

ClinVar aggregate classification (germline): Pathogenic (1 of 4 stars; one submission).

Conditions:
Ataxia-telangiectasia syndrome (AT). Also called: Ataxia-telangiectasia, complementation group D; AT, COMPLEMENTATION GROUP C; ATAXIA-TELANGIECTASIA, COMPLEMENTATION GROUP A; ATAXIA-TELANGIECTASIA, FRESNO VARIANT; Ataxia-telangiectasia; Ataxia-telangiectasia, complementation group E. Identifiers: Orphanet 100, MedGen C0004135, MONDO:0008840, OMIM 208900.

Submission:

Labcorp Genetics (formerly Invitae), Labcorp
Classification: Pathogenic for Ataxia-telangiectasia syndrome. Last evaluated: 2025-04-17. Review status: criteria provided, single submitter. Criteria: Invitae Variant Classification Sherloc (09022015). Collection method: clinical testing. Allele origin: germline.
Comment: This sequence change creates a premature translational stop signal (p.Lys2117*) in the ATM gene. It is expected to result in an absent or disrupted protein product. Loss-of-function variants in ATM are known to be pathogenic (PMID: 23807571, 25614872). This variant is not present in population databases (gnomAD no frequency). This variant has not been reported in the literature in individuals affected with ATM-related conditions. For these reasons, this variant has been classified as Pathogenic.

Literature cited by the submitters: PubMed 23807571; PubMed 25614872.